The following is an entry in ClinVar:

ClinVar aggregate classification (germline): Uncertain significance (1 of 4 stars; one submission).

Conditions:
Charcot-Marie-Tooth disease type 4. Also called: Charcot-Marie-Tooth disease, type IV; Charcot-Marie-Tooth, Type 4. Identifiers: Orphanet 64749, MedGen C4082197, MONDO:0018995.

Allele frequency attached by ClinVar (database versions not stated): ExAC 0.00001; gnomAD 0.00001; gnomAD exomes 0.00001; TOPMed 0.00001.
gnomAD v4.1: 14 of 1,613,844 alleles (0.00087%); highest among the groups gnomAD compares: Non-Finnish European, 0.0012%; no homozygotes.

Submission:

Labcorp Genetics (formerly Invitae), Labcorp
Classification: Uncertain significance for Charcot-Marie-Tooth disease type 4. Last evaluated: 2025-05-17. Review status: criteria provided, single submitter. Criteria: Invitae Variant Classification Sherloc (09022015). Collection method: clinical testing. Allele origin: germline.
Comment: This sequence change replaces proline, which is neutral and non-polar, with alanine, which is neutral and non-polar, at codon 528 of the SBF2 protein (p.Pro528Ala). This variant is present in population databases (rs745328047, gnomAD 0.002%). This variant has not been reported in the literature in individuals affected with SBF2-related conditions. ClinVar contains an entry for this variant (Variation ID: 1015739). Invitae Evidence Modeling of protein sequence and biophysical properties (such as structural, functional, and spatial information, amino acid conservation, physicochemical variation, residue mobility, and thermodynamic stability) indicates that this missense variant is expected to disrupt SBF2 protein function with a positive predictive value of 80%. In summary, the available evidence is currently insufficient to determine the role of this variant in disease. Therefore, it has been classified as a Variant of Uncertain Significance.

NM_030962.4(SBF2):c.1582C>G (p.Pro528Ala)

Gene: SBF2 (SET binding factor 2; minus strand). Cytogenetic location: 11p15.4.
Variant type: single nucleotide variant.
Coding change: c.1582C>G on transcript NM_030962.4 (MANE Select); coding-DNA position 1582, C replaced by G.
Protein change: p.Pro528Ala; replaces proline 528 with alanine.
Molecular consequence: missense variant.
Genome position (GRCh38, 1-based): chr11:9,968,359, G>C on the plus strand (C>G on the coding strand, the complement: SBF2 is on the minus strand). VCF-style: chr11-9968359-G-C. GRCh37 (hg19) VCF-style: chr11-9989906-G-C.
Other names: c.1582C>G, p.Pro528Ala (NM_001386339.1); c.1453C>G, p.Pro485Ala (NM_001386342.1); short protein forms P528A, P485A.
Identifiers: ClinVar variation 1015739 (VCV001015739.5), dbSNP rs745328047, ClinGen allele CA5881801.
Genomic context (GRCh38, chr11:9,968,359, plus strand): 5'-TTATAAACAGTTTACTTTTAAAACAGACAGACAAATACATACCAACAGGTGGACCTGCTG[G>C]CACAACACATTTCTTTTCTATTCGTGTGGCAGGAGGTGCATTCTGGTTCTTAGCAACATT-3'
Protein context (NP_112224.1, residues 518-538): ATRIEKKCVV[Pro528Ala]AGPPVVSIMD